The following is an entry in ClinVar:

NM_005996.4(TBX3):c.1408G>A (p.Ala470Thr)

Gene: TBX3 (T-box transcription factor 3; minus strand). Cytogenetic location: 12q24.21.
Variant type: single nucleotide variant.
Coding change: c.1408G>A on transcript NM_005996.4 (MANE Select); coding-DNA position 1408, G replaced by A.
Protein change: p.Ala470Thr; replaces alanine 470 with threonine.
Molecular consequence: missense variant.
Genome position (GRCh38, 1-based): chr12:114,674,467, C>T on the plus strand (G>A on the coding strand, the complement: TBX3 is on the minus strand). VCF-style: chr12-114674467-C-T. GRCh37 (hg19) VCF-style: chr12-115112272-C-T.
Other names: c.1468G>A (NM_016569.3); c.1468G>A, p.Ala490Thr (NM_016569.4); c.1408G>A (NM_005996.3); short protein forms A490T, A470T.
Identifiers: ClinVar variation 2064461 (VCV002064461.7), dbSNP rs544562535, ClinGen allele CA244143581.

ClinVar aggregate classification (germline): Uncertain significance. Review status: criteria provided, multiple submitters, no conflicts (2 of 4 stars). 3 submissions from 3 submitters: Uncertain significance (3). Last evaluated 2026-06-15.

Conditions:
TBX3-related disorder. Also called: TBX3-related condition.
Ulnar-mammary syndrome (UMS). Also called: Ulnar-mammary syndrome of Pallister; SCHINZEL SYNDROME; PALLISTER ULNAR-MAMMARY SYNDROME. Identifiers: Orphanet 3138, MedGen C1866994, MONDO:0008411, OMIM 181450.
Inborn genetic diseases. Identifiers: MedGen C0950123, MeSH D030342.

Allele frequency attached by ClinVar (database versions not stated): gnomAD exomes 0.00001; TOPMed 0.00003.
gnomAD v4.1: 18 of 1,540,878 alleles (0.0012%); highest among the groups gnomAD compares: African/African-American, 0.0083%; no homozygotes.

Submissions (3):

PreventionGenetics, part of Exact Sciences
Classification: Uncertain significance for TBX3-related condition. Last evaluated: 2026-06-15. Review status: criteria provided, single submitter. Criteria: ACMG Guidelines, 2015. Collection method: clinical testing. Allele origin: germline.
Comment: The TBX3 c.1468G>A variant is predicted to result in the amino acid substitution p.Ala490Thr. To our knowledge, this variant has not been reported in the literature. This variant is reported in 0.0069% of alleles in individuals of African descent in gnomAD. At this time, the clinical significance of this variant is uncertain due to the absence of conclusive functional and genetic evidence.

Ambry Genetics
Classification: Uncertain significance for Inborn genetic diseases. Last evaluated: 2025-08-29. Review status: criteria provided, single submitter. Criteria: Ambry Variant Classification Scheme 2023. Collection method: clinical testing. Allele origin: germline.

Labcorp Genetics (formerly Invitae), Labcorp
Classification: Uncertain significance for Ulnar-mammary syndrome. Last evaluated: 2024-03-04. Review status: criteria provided, single submitter. Criteria: Invitae Variant Classification Sherloc (09022015). Collection method: clinical testing. Allele origin: germline.
Comment: This sequence change replaces alanine, which is neutral and non-polar, with threonine, which is neutral and polar, at codon 470 of the TBX3 protein (p.Ala470Thr). This variant is present in population databases (rs544562535, gnomAD 0.01%). This variant has not been reported in the literature in individuals affected with TBX3-related conditions. ClinVar contains an entry for this variant (Variation ID: 2064461). Algorithms developed to predict the effect of missense changes on protein structure and function output the following: SIFT: "Not Available"; PolyPhen-2: "Benign"; Align-GVGD: "Not Available". The threonine amino acid residue is found in multiple mammalian species, which suggests that this missense change does not adversely affect protein function. In summary, the available evidence is currently insufficient to determine the role of this variant in disease. Therefore, it has been classified as a Variant of Uncertain Significance.